The following is an entry in ClinVar:

NM_002334.4(LRP4):c.2226G>C (p.Lys742Asn)

Gene: LRP4 (LDL receptor related protein 4; minus strand). Cytogenetic location: 11p11.2.
Variant type: single nucleotide variant.
Coding change: c.2226G>C on transcript NM_002334.4 (MANE Select); coding-DNA position 2226, G replaced by C.
Protein change: p.Lys742Asn; replaces lysine 742 with asparagine.
Molecular consequence: missense variant.
Genome position (GRCh38, 1-based): chr11:46,886,523, C>G on the plus strand (G>C on the coding strand, the complement: LRP4 is on the minus strand). VCF-style: chr11-46886523-C-G. GRCh37 (hg19) VCF-style: chr11-46908074-C-G.
Other names: short protein forms K742N.
Identifiers: ClinVar variation 1944394 (VCV001944394.4), dbSNP rs2539751040, ClinGen allele CA380281044.

ClinVar aggregate classification (germline): Uncertain significance (1 of 4 stars; one submission).

Conditions:
Cenani-Lenz syndactyly syndrome. Also called: SYNDACTYLY, TYPE VII; CENANI SYNDACTYLISM. Identifiers: Orphanet 3258, MedGen C1859309, MONDO:0008931, OMIM 212780.
Congenital myasthenic syndrome 17. Identifiers: Orphanet 590, MedGen C4225377, MONDO:0014578, OMIM 616304.
Sclerosteosis 2 (SOST2). Identifiers: Orphanet 3152, MedGen C3280402, MONDO:0013679, OMIM 614305.

Submission:

Labcorp Genetics (formerly Invitae), Labcorp
Classification: Uncertain significance for Cenani-Lenz syndactyly syndrome; Sclerosteosis 2; Congenital myasthenic syndrome 17. Last evaluated: 2022-02-20. Review status: criteria provided, single submitter. Criteria: Invitae Variant Classification Sherloc (09022015). Collection method: clinical testing. Allele origin: germline.
Comment: This sequence change replaces lysine, which is basic and polar, with asparagine, which is neutral and polar, at codon 742 of the LRP4 protein (p.Lys742Asn). This variant is not present in population databases (gnomAD no frequency). This variant has not been reported in the literature in individuals affected with LRP4-related conditions. Algorithms developed to predict the effect of missense changes on protein structure and function are either unavailable or do not agree on the potential impact of this missense change (SIFT: "Deleterious"; PolyPhen-2: "Benign"; Align-GVGD: "Class C65"). In summary, the available evidence is currently insufficient to determine the role of this variant in disease. Therefore, it has been classified as a Variant of Uncertain Significance.